The following is an entry in ClinVar:

NM_000268.4(NF2):c.917T>C (p.Leu306Pro)

Gene: NF2 (NF2, moesin-ezrin-radixin like (MERLIN) tumor suppressor; plus strand). Cytogenetic location: 22q12.2.
Variant type: single nucleotide variant.
Coding change: c.917T>C on transcript NM_000268.4 (MANE Select); coding-DNA position 917, T replaced by C.
Protein change: p.Leu306Pro; replaces leucine 306 with proline.
Molecular consequence: missense variant. On other transcripts: non-coding transcript variant (1), intron variant (1).
Genome position (GRCh38, 1-based): chr22:29,668,364, T>C. VCF-style: chr22-29668364-T-C. GRCh37 (hg19) VCF-style: chr22-30064353-T-C.
Other names: c.803T>C, p.Leu268Pro (NM_001407053.1, NM_001407056.1); c.794T>C, p.Leu265Pro (NM_001407054.1, NM_001407058.1, NM_181829.3); c.791T>C, p.Leu264Pro (NM_001407055.1, NM_181828.3); c.782T>C, p.Leu261Pro (NM_001407057.1, NM_001407059.1); c.917T>C, p.Leu306Pro (NM_001407060.1, NM_001407066.1, NM_016418.5 and 2 more transcripts); c.659T>C, p.Leu220Pro (NM_001407062.1); c.668T>C, p.Leu223Pro (NM_001407063.1, NM_001407064.1, NM_181830.3 and 1 more transcripts); c.383T>C, p.Leu128Pro (NM_001407065.1); and 2 more; short protein forms L264P, L306P, L220P, L223P, L229P, L265P, L128P, L261P.
Identifiers: ClinVar variation 2851524 (VCV002851524.3), dbSNP rs2518645390, ClinGen allele CA411145685.
Genomic context (GRCh38, chr22:29,668,364, plus strand): 5'-AACCTTTTTGTCTGCTTCTGTGGCCACAGATTCTCCAGCTATGTATCGGGAACCATGATC[T>C]ATTTATGAGGAGAAGGAAAGCCGATTCTTTGGAAGTTCAGCAGATGAAAGCCCAGGCCAG-3'
Protein context (NP_000259.1, residues 296-316): ILQLCIGNHD[Leu306Pro]FMRRRKADSL

ClinVar aggregate classification (germline): Uncertain significance (1 of 4 stars; one submission).

Conditions:
Neurofibromatosis, type 2 (SWNV). Also called: BILATERAL ACOUSTIC NEUROFIBROMATOSIS; NF2-Related Schwannomatosis; SCHWANNOMATOSIS, VESTIBULAR. Identifiers: Orphanet 637, MedGen C0027832, MONDO:0007039, OMIM 101000. Disease mechanism: loss of function.

Submission:

Labcorp Genetics (formerly Invitae), Labcorp
Classification: Uncertain significance for Neurofibromatosis, type 2. Last evaluated: 2023-04-02. Review status: criteria provided, single submitter. Criteria: Invitae Variant Classification Sherloc (09022015). Collection method: clinical testing. Allele origin: germline.
Comment: In summary, the available evidence is currently insufficient to determine the role of this variant in disease. Therefore, it has been classified as a Variant of Uncertain Significance. Advanced modeling of protein sequence and biophysical properties (such as structural, functional, and spatial information, amino acid conservation, physicochemical variation, residue mobility, and thermodynamic stability) performed at Invitae indicates that this missense variant is expected to disrupt NF2 protein function. This variant has not been reported in the literature in individuals affected with NF2-related conditions. This variant is not present in population databases (gnomAD no frequency). This sequence change replaces leucine, which is neutral and non-polar, with proline, which is neutral and non-polar, at codon 306 of the NF2 protein (p.Leu306Pro).